The following is an entry in ClinVar:

ClinVar aggregate classification (germline): Uncertain significance. Review status: criteria provided, single submitter (1 of 4 stars). 2 submissions from 2 submitters: Uncertain significance (1). 1 of the submissions does not count toward it. Last evaluated 2022-07-06.

Conditions:
Late-infantile neuronal ceroid lipofuscinosis. Also called: Jansky-Bielschowsky disease. Identifiers: MedGen C0022340, MONDO:0015674.
Neuronal ceroid lipofuscinosis 7 (CLN7). Also called: MFSD8-Related Neuronal Ceroid-Lipofuscinosis. Identifiers: Orphanet 168491, Orphanet 228366, MedGen C1838571, MONDO:0012588, OMIM 610951.

Allele frequency attached by ClinVar (database versions not stated): gnomAD exomes below 0.00001.
gnomAD v4.1: 2 of 1,614,148 alleles (0.00012%); highest among the groups gnomAD compares: Non-Finnish European, 0.00017%; no homozygotes.

Submissions (2):

Labcorp Genetics (formerly Invitae), Labcorp
Classification: Uncertain significance for Neuronal ceroid lipofuscinosis 7. Last evaluated: 2022-07-06. Review status: criteria provided, single submitter. Criteria: Invitae Variant Classification Sherloc (09022015). Collection method: clinical testing. Allele origin: germline.
Comment: This sequence change replaces leucine, which is neutral and non-polar, with valine, which is neutral and non-polar, at codon 440 of the MFSD8 protein (p.Leu440Val). This variant is not present in population databases (gnomAD no frequency). This variant has not been reported in the literature in individuals affected with MFSD8-related conditions. ClinVar contains an entry for this variant (Variation ID: 1393932). Algorithms developed to predict the effect of missense changes on protein structure and function are either unavailable or do not agree on the potential impact of this missense change (SIFT: "Deleterious"; PolyPhen-2: "Possibly Damaging"; Align-GVGD: "Class C0"). In summary, the available evidence is currently insufficient to determine the role of this variant in disease. Therefore, it has been classified as a Variant of Uncertain Significance.

Natera, Inc.
Classification: Uncertain significance for Late-infantile neuronal ceroid lipofuscinosis. Last evaluated: 2025-02-09. Review status: no assertion criteria provided. Collection method: clinical testing. Allele origin: germline. Not counted in ClinVar's aggregate classification.

NM_001371596.2(MFSD8):c.1318C>G (p.Leu440Val)

Gene: MFSD8 (major facilitator superfamily domain containing 8; minus strand). Cytogenetic location: 4q28.2.
Variant type: single nucleotide variant.
Coding change: c.1318C>G on transcript NM_001371596.2 (MANE Select); coding-DNA position 1318, C replaced by G.
Protein change: p.Leu440Val; replaces leucine 440 with valine.
Molecular consequence: missense variant.
Genome position (GRCh38, 1-based): chr4:127,921,556, G>C on the plus strand (C>G on the coding strand, the complement: MFSD8 is on the minus strand). VCF-style: chr4-127921556-G-C. GRCh37 (hg19) VCF-style: chr4-128842711-G-C.
Other names: c.1117C>G, p.Leu373Val (NM_001363520.3); c.1003C>G, p.Leu335Val (NM_001363521.3); c.1183C>G, p.Leu395Val (NM_001371590.2); c.1318C>G, p.Leu440Val (NM_001371591.2, NM_152778.4); c.1324C>G, p.Leu442Val (NM_001371592.2); c.1204C>G, p.Leu402Val (NM_001371593.2); c.1171C>G, p.Leu391Val (NM_001371594.2); c.1036C>G, p.Leu346Val (NM_001371595.1); and 3 more; short protein forms L335V, L391V, L402V, L440V, L442V, L373V, L395V, L346V.
Identifiers: ClinVar variation 1393932 (VCV001393932.5), dbSNP rs879270594, ClinGen allele CA105670660.